The following is an entry in ClinVar:

NM_007215.4(POLG2):c.1016del (p.Asn339fs)

Genes: MILR1 (mast cell immunoglobulin like receptor 1; plus strand), POLG2 (DNA polymerase gamma 2, accessory subunit; minus strand). Cytogenetic location: 17q23.3.
Variant type: Deletion.
Coding change: c.1016del on transcript NM_007215.4 (MANE Select); coding-DNA position 1016, one base deleted (A; older notation c.1016delA).
Protein change: p.Asn339fs; shifts the reading frame from asparagine 339.
Molecular consequence: frameshift variant.
Genome position (GRCh38, 1-based): chr17:64,485,822, T deleted on the plus strand (A on the coding strand, the reverse complement: POLG2 is on the minus strand); the first of 3 consecutive T bases (chr17:64,485,822-64,485,824); deleting any one gives the same sequence. VCF-style (leftmost placement, unchanged base first): chr17-64485821-AT-A. GRCh37 (hg19) VCF-style: chr17-62481938-AT-A.
Other names: p.Asn339Metfs*4; short protein forms N339fs.
Identifiers: ClinVar variation 4542211 (VCV004542211.1).

ClinVar aggregate classification (germline): Uncertain significance (1 of 4 stars; one submission).

Submission:

Mayo Clinic Laboratories, Mayo Clinic
Classification: Uncertain significance. Last evaluated: 2025-07-07. Review status: criteria provided, single submitter. Criteria: ACMG Guidelines, 2015. Collection method: clinical testing. Allele origin: germline. Observed: 1 variant allele.
Comment: PM2_supporting